The following is an entry in ClinVar:

NM_001199107.2(TBC1D24):c.1541A>G (p.Gln514Arg)

Gene: TBC1D24 (TBC1 domain family member 24; plus strand). Cytogenetic location: 16p13.3.
Variant type: single nucleotide variant.
Coding change: c.1541A>G on transcript NM_001199107.2 (MANE Select); coding-DNA position 1541, A replaced by G.
Protein change: p.Gln514Arg; replaces glutamine 514 with arginine.
Molecular consequence: missense variant.
Genome position (GRCh38, 1-based): chr16:2,500,819, A>G. VCF-style: chr16-2500819-A-G. GRCh37 (hg19) VCF-style: chr16-2550820-A-G.
Other names: c.1523A>G, p.Gln508Arg (NM_020705.3); short protein forms Q508R, Q514R.
Identifiers: ClinVar variation 930097 (VCV000930097.4), dbSNP rs2065786840, ClinGen allele CA394381501.

ClinVar aggregate classification (germline): Uncertain significance (1 of 4 stars; one submission).

Allele frequency attached by ClinVar (database versions not stated): TOPMed below 0.00001.

Submission:

Laboratory for Molecular Medicine, Mass General Brigham Personalized Medicine
Classification: Uncertain significance. Last evaluated: 2019-08-28. Review status: criteria provided, single submitter. Criteria: LMM Criteria. Collection method: clinical testing. Allele origin: germline. Observed: 1 variant allele.
Comment: The p.Gln514Arg variant in TBC1D24 has not been previously reported in individuals with hearing loss, DOORS, or epilepsy and was absent from large population studies. Computational prediction tools and conservation analysis suggest that this variant may not impact the protein, though this information is not predictive enough to rule out pathogenicity. In summary, the clinical significance of this variant is uncertain. ACMG/AMP Criteria applied: BP4, PM2.